The following is an entry in ClinVar:

ClinVar aggregate classification (germline): Uncertain significance. Review status: criteria provided, single submitter (1 of 4 stars). 2 submissions from 2 submitters: Uncertain significance (1). 1 of the submissions does not count toward it. Last evaluated 2023-04-05.

Conditions:
KCNA2-related disorder. Also called: KCNA2-related condition.

Submissions (2):

Blueprint Genetics
Classification: Uncertain significance. Last evaluated: 2023-04-05. Review status: criteria provided, single submitter. Criteria: ACMG Guidelines, 2015. Collection method: clinical testing. Allele origin: germline.

PreventionGenetics, part of Exact Sciences
Classification: Uncertain significance for KCNA2-related condition. Last evaluated: 2023-10-30. Review status: no assertion criteria provided. Collection method: clinical testing. Allele origin: germline. Not counted in ClinVar's aggregate classification.
Comment: The KCNA2 c.50G>A variant is predicted to result in the amino acid substitution p.Gly17Glu. To our knowledge, this variant has not been reported in the literature or in a large population database, indicating this variant is rare. At this time, the clinical significance of this variant is uncertain due to the absence of conclusive functional and genetic evidence.

NM_004974.4(KCNA2):c.50G>A (p.Gly17Glu)

Gene: KCNA2 (potassium voltage-gated channel subfamily A member 2; minus strand). Cytogenetic location: 1p13.3.
Variant type: single nucleotide variant.
Coding change: c.50G>A on transcript NM_004974.4 (MANE Select); coding-DNA position 50, G replaced by A.
Protein change: p.Gly17Glu; replaces glycine 17 with glutamic acid.
Molecular consequence: missense variant.
Genome position (GRCh38, 1-based): chr1:110,604,733, C>T on the plus strand (G>A on the coding strand, the complement: KCNA2 is on the minus strand). VCF-style: chr1-110604733-C-T. GRCh37 (hg19) VCF-style: chr1-111147355-C-T.
Other names: c.50G>A, p.Gly17Glu (NM_001204269.2); short protein forms G17E.
Identifiers: ClinVar variation 3050158 (VCV003050158.3), dbSNP rs2524623847, ClinGen allele CA341607306.
Genomic context (GRCh38, chr1:110,604,733, plus strand): 5'-ATCACCACCCTCTCACAGCACTCGTGGTCTGCCTCTGGGTCATAGGTGTCCTGTGGGTGC[C>T]CAGGGAGGGCAGCAGCCTCGTCTGCTGGGTCTCCGGTGGCCACTGTCATAATTGGGACTG-3'
Protein context (NP_004965.1, residues 7-27): DPADEAAALP[Gly17Glu]HPQDTYDPEA